The following is an entry in ClinVar:

ClinVar aggregate classification (germline): Uncertain significance (1 of 4 stars; one submission).

Conditions:
Neuropathy, hereditary sensory and autonomic, type 2A (HSAN2A). Also called: ACROOSTEOLYSIS, GIACCAI TYPE; ACROOSTEOLYSIS, NEUROGENIC; MORVAN DISEASE; NEUROPATHY, CONGENITAL SENSORY; NEUROPATHY, HEREDITARY SENSORY RADICULAR, AUTOSOMAL RECESSIVE; NEUROPATHY, HEREDITARY SENSORY, TYPE IIA. Identifiers: Orphanet 970, MedGen C2752089, MONDO:0024309, OMIM 201300.
Pseudohypoaldosteronism type 2C (PHA2C). Also called: Pseudohypoaldosteronism Type IIC. Identifiers: Orphanet 757, Orphanet 88940, MedGen C1840391, MONDO:0013778, OMIM 614492.

Submission:

Labcorp Genetics (formerly Invitae), Labcorp
Classification: Uncertain significance for Neuropathy, hereditary sensory and autonomic, type 2A; Pseudohypoaldosteronism type 2C. Last evaluated: 2023-10-13. Review status: criteria provided, single submitter. Criteria: Invitae Variant Classification Sherloc (09022015). Collection method: clinical testing. Allele origin: germline.
Comment: This sequence change disrupts the translational stop signal of the WNK1 mRNA. It is expected to extend the length of the WNK1 protein by 2 additional amino acid residues. This variant is not present in population databases (gnomAD no frequency). This variant has not been reported in the literature in individuals affected with WNK1-related conditions. ClinVar contains an entry for this variant (Variation ID: 1394729). In summary, the available evidence is currently insufficient to determine the role of this variant in disease. Therefore, it has been classified as a Variant of Uncertain Significance.

NM_018979.4(WNK1):c.7147T>C (p.Ter2383Gln)

Gene: WNK1 (WNK lysine deficient protein kinase 1; plus strand). Cytogenetic location: 12p13.33.
Variant type: single nucleotide variant.
Coding change: c.7147T>C on transcript NM_018979.4 (MANE Select); coding-DNA position 7147, T replaced by C.
Protein change: p.Ter2383Gln.
Molecular consequence: stop lost.
Genome position (GRCh38, 1-based): chr12:908,790, T>C. VCF-style: chr12-908790-T-C. GRCh37 (hg19) VCF-style: chr12-1017956-T-C.
Other names: c.7927T>C, p.Ter2643Gln (NM_001184985.2); c.6403T>C, p.Ter2135Gln (NM_014823.3); c.7903T>C, p.Ter2635Gln (NM_213655.5).
Identifiers: ClinVar variation 1394729 (VCV001394729.6), dbSNP rs55650617, ClinGen allele CA383341672.